The following is an entry in ClinVar:

ClinVar aggregate classification (germline): Pathogenic/Likely pathogenic. Review status: criteria provided, multiple submitters, no conflicts (2 of 4 stars). 2 submissions from 2 submitters: Pathogenic (1); Likely pathogenic (1). Last evaluated 2025-10-13.

Conditions:
Early-infantile DEE. Also called: Ohtahara syndrome; Early infantile epileptic encephalopathy with suppression bursts; Early infantile epileptic encephalopathy. Identifiers: Orphanet 1934, MedGen C0393706, MONDO:0800491.
Cerebellar atrophy with seizures and variable developmental delay. Identifiers: MedGen C5193132, MONDO:0032788, OMIM 618501.

Submissions (2):

Labcorp Genetics (formerly Invitae), Labcorp
Classification: Pathogenic for Early-infantile DEE. Last evaluated: 2025-10-13. Review status: criteria provided, single submitter. Criteria: Invitae Variant Classification Sherloc (09022015). Collection method: clinical testing. Allele origin: germline.
Comment: This sequence change creates a premature translational stop signal (p.Arg35Hisfs*64) in the CACNA2D2 gene. It is expected to result in an absent or disrupted protein product. Loss-of-function variants in CACNA2D2 are known to be pathogenic (PMID: 24358150). This variant is present in population databases (no rsID available, gnomAD 0.007%). This variant has not been reported in the literature in individuals affected with CACNA2D2-related conditions. ClinVar contains an entry for this variant (Variation ID: 1070772). For these reasons, this variant has been classified as Pathogenic.

Revvity Omics, Revvity
Classification: Likely pathogenic for Cerebellar atrophy with seizures and variable developmental delay. Last evaluated: 2024-11-21. Review status: criteria provided, single submitter. Criteria: ACMG Guidelines, 2015. Collection method: clinical testing. Allele origin: germline.

Literature cited by the submitters: PubMed 24358150 (cited by Labcorp Genetics (formerly Invitae), Labcorp).

NM_006030.4(CACNA2D2):c.97_103dup (p.Arg35fs)

Gene: CACNA2D2 (calcium voltage-gated channel auxiliary subunit alpha2delta 2; minus strand). Cytogenetic location: 3p21.31.
Variant type: Duplication.
Coding change: c.97_103dup on transcript NM_006030.4 (MANE Select); coding-DNA positions 97 to 103, 7 bases duplicated (ACCCGGC; older notation c.97_103dupACCCGGC).
Protein change: p.Arg35fs; shifts the reading frame from arginine 35.
Molecular consequence: frameshift variant. On other transcripts: intron variant (1).
Genome position (GRCh38, 1-based): chr3:50,503,321-50,503,327, GCCGGGT duplicated on the plus strand (ACCCGGC on the coding strand, the reverse complement: CACNA2D2 is on the minus strand); duplicating any 7 consecutive bases within chr3:50,503,321-50,503,333 gives the same sequence; the c. name uses the placement nearest the transcript's 3' end. VCF-style (leftmost placement, unchanged base first): chr3-50503320-C-CGCCGGGT. GRCh37 (hg19) VCF-style: chr3-50540751-C-CGCCGGGT.
Other names: c.97_103dup, p.Arg35fs (NM_001005505.3, NM_001174051.3); c.-2+742_-2+748dup (NM_001291101.1); short protein forms R35fs.
Identifiers: ClinVar variation 1070772 (VCV001070772.7), dbSNP rs1451909068, ClinGen allele CA543060902.